The following is an entry in ClinVar:

ClinVar aggregate classification (germline): Likely benign (1 of 4 stars; one submission).

Submission:

Women's Health and Genetics/Laboratory Corporation of America, LabCorp
Classification: Likely benign. Last evaluated: 2026-04-08. Review status: criteria provided, single submitter. Criteria: LabCorp Variant Classification Summary - May 2015. Collection method: clinical testing. Allele origin: germline.
Comment: Variant summary: IKBKG c.769-19T>C alters a nucleotide located at a position not widely known to affect splicing. Consensus agreement among computation tools predict no significant impact on normal splicing. However, these predictions have yet to be confirmed by functional studies. The frequency of this variant in the general population could not be determined as the technology used for large population databases (ExAC, gnomAD, ESP, 1000G) cannot detect variants of this type. The available data on variant occurrences in the general population are insufficient to allow any conclusion about variant significance. To our knowledge, no occurrence of c.769-19T>C in individuals affected with IKBKG-related conditions and no experimental evidence demonstrating its impact on protein function have been reported. No submitters have cited clinical-significance assessments for this variant to ClinVar. Based on the evidence outlined above, the variant was classified as likely benign.

NM_001099857.5(IKBKG):c.769-19T>C

Gene: IKBKG (inhibitor of nuclear factor kappa B kinase regulatory subunit gamma; plus strand). Cytogenetic location: Xq28.
Variant type: single nucleotide variant.
Coding change: c.769-19T>C on transcript NM_001099857.5 (MANE Select); 19 bases into the intron before coding-DNA position 769, T replaced by C.
Molecular consequence: intron variant.
Genome position (GRCh38, 1-based): chrX:154,562,791, T>C. VCF-style: chrX-154562791-T-C. GRCh37 (hg19) VCF-style: chrX-153791006-T-C.
Other names: c.769-19T>C (NM_001377312.1, NM_001321396.3, NM_003639.4); c.766-19T>C (NM_001377313.1, NM_001321397.3); c.973-19T>C (NM_001099856.6); c.616-768T>C (NM_001145255.4); c.613-19T>C (NM_001377314.1); c.400-19T>C (NM_001377315.1).
Identifiers: ClinVar variation 4848737 (VCV004848737.1).
Genomic context (GRCh38, chrX:154,562,791, plus strand): 5'-TTTCATCCTTCTCAGTTCTTCTCAGCCAGCCTCGCCCTGGGCTGACGAGGCTCCGTCAGC[T>C]CCCCTTGCCCGTCCTTAGGGAATGCAGCTGGAAGATCTCAAACAGCAGCTCCAGCAGGCC-3'